The following is an entry in ClinVar:

ClinVar aggregate classification (germline): Likely pathogenic (1 of 4 stars; one submission).

Submissions (2):

Genetic Services Laboratory, University of Chicago
Classification: Likely pathogenic. Last evaluated: 2024-12-26. Review status: criteria provided, single submitter. Criteria: ACMG Guidelines, 2015. Collection method: clinical testing. Allele origin: germline. Affected: yes.
Comment: DNA sequence analysis of the FANCI gene demonstrated a sequence change located in the canonical splice acceptor site in intron 26, c.2890-1G>A. This sequence change does not appear to have been previously described in individuals with FANCI-related disorders and has not been described in the population databases such as ExAC and gnomAD. This sequence change is predicted to affect normal splicing of the FANCI gene and may result in an abnormal protein. While this sequence change has not been described in the literature, other loss-of-function variants in FANCI have been described in individuals with FANCI-related disorders (PMID: 17452773, 17460694). Collectively, this evidence indicates that this sequence change is likely pathogenic, however functional studies have not been performed to prove this conclusively.

Dr. Peter K. Rogan Lab, Western University
No classification provided (evidence only). Condition: Squamous cell carcinoma of the head and neck. Review status: no classification provided. Collection method: in vitro. Allele origin: not applicable. Functional consequence: cryptic splice site. Not counted in ClinVar's aggregate classification.

NM_001113378.2(FANCI):c.2890-1G>A

Gene: FANCI (FA complementation group I; plus strand). Cytogenetic location: 15q26.1.
Variant type: single nucleotide variant.
Coding change: c.2890-1G>A on transcript NM_001113378.2 (MANE Select); the canonical splice acceptor site of the intron before coding-DNA position 2890, G replaced by A.
Molecular consequence: splice acceptor variant.
Genome position (GRCh38, 1-based): chr15:89,301,325, G>A. VCF-style: chr15-89301325-G-A. GRCh37 (hg19) VCF-style: chr15-89844556-G-A.
Other names: NC_000015.9:g.89844556G>A; c.2710-1G>A (NM_018193.3); c.2890-1G>A (NM_001376911.1); c.2611-1G>A (NM_001376910.1).
Identifiers: ClinVar variation 4082433 (VCV004082433.2).